The following is an entry in ClinVar:

NM_022114.4(PRDM16):c.1976C>T (p.Pro659Leu)

Gene: PRDM16 (PR/SET domain 16; plus strand). Cytogenetic location: 1p36.32.
Variant type: single nucleotide variant.
Coding change: c.1976C>T on transcript NM_022114.4 (MANE Select); coding-DNA position 1976, C replaced by T.
Protein change: p.Pro659Leu; replaces proline 659 with leucine.
Molecular consequence: missense variant.
Genome position (GRCh38, 1-based): chr1:3,412,173, C>T. VCF-style: chr1-3412173-C-T. GRCh37 (hg19) VCF-style: chr1-3328737-C-T.
Other names: c.1976C>T, p.Pro659Leu (NM_199454.3); short protein forms P659L.
Identifiers: ClinVar variation 1311623 (VCV001311623.10), dbSNP rs533776622, ClinGen allele CA544350.

ClinVar aggregate classification (germline): Conflicting classifications of pathogenicity. Review status: criteria provided, conflicting classifications (1 of 4 stars). 4 submissions from 4 submitters: Uncertain significance (3); Likely benign (1). Last evaluated 2025-05-16.

Conditions:
Inborn genetic diseases. Identifiers: MedGen C0950123, MeSH D030342.
Left ventricular noncompaction 8 (LVNC8). Identifiers: Orphanet 154, Orphanet 54260, MedGen C3809288, MONDO:0014152, OMIM 615373.

Allele frequency attached by ClinVar (database versions not stated): gnomAD 0.00001; gnomAD exomes 0.00001 and 0.00002; ExAC 0.00002; TOPMed 0.00002; 1000 Genomes Project 30x 0.00016; 1000 Genomes Project 0.00020.

Submissions (4):

GeneDx
Classification: Uncertain significance. Last evaluated: 2025-05-16. Review status: criteria provided, single submitter. Criteria: GeneDx Variant Classification Process June 2021. Collection method: clinical testing. Allele origin: germline. Affected: yes.
Comment: Has not been previously published as pathogenic or benign to our knowledge; In silico analysis suggests that this missense variant does not alter protein structure/function

Ambry Genetics
Classification: Uncertain significance for Inborn genetic diseases. Last evaluated: 2024-12-14. Review status: criteria provided, single submitter. Criteria: Ambry Variant Classification Scheme 2023. Collection method: clinical testing. Allele origin: germline.

Labcorp Genetics (formerly Invitae), Labcorp
Classification: Uncertain significance for Left ventricular noncompaction 8. Last evaluated: 2024-05-06. Review status: criteria provided, single submitter. Criteria: Invitae Variant Classification Sherloc (09022015). Collection method: clinical testing. Allele origin: germline.
Comment: This sequence change replaces proline, which is neutral and non-polar, with leucine, which is neutral and non-polar, at codon 659 of the PRDM16 protein (p.Pro659Leu). This variant is present in population databases (rs533776622, gnomAD 0.02%). This variant has not been reported in the literature in individuals affected with PRDM16-related conditions. ClinVar contains an entry for this variant (Variation ID: 1311623). An algorithm developed to predict the effect of missense changes on protein structure and function (PolyPhen-2) suggests that this variant is likely to be tolerated. In summary, the available evidence is currently insufficient to determine the role of this variant in disease. Therefore, it has been classified as a Variant of Uncertain Significance.

Blueprint Genetics
Classification: Likely benign. Last evaluated: 2018-05-27. Review status: criteria provided, single submitter. Criteria: ACMG Guidelines, 2015. Collection method: clinical testing. Allele origin: germline.